The following is an entry in ClinVar:

ClinVar aggregate classification (germline): Uncertain significance (1 of 4 stars; one submission).

Conditions:
Arrhythmogenic right ventricular dysplasia 5. Also called: Arrhythmogenic Right Ventricular Dysplasia/Cardiomyopathy 5; ARRHYTHMOGENIC RIGHT VENTRICULAR DYSPLASIA, FAMILIAL, 5. Identifiers: MedGen C1858379, MONDO:0011459, OMIM 604400.

Submission:

Labcorp Genetics (formerly Invitae), Labcorp
Classification: Uncertain significance for Arrhythmogenic right ventricular dysplasia 5. Last evaluated: 2022-06-05. Review status: criteria provided, single submitter. Criteria: Invitae Variant Classification Sherloc (09022015). Collection method: clinical testing. Allele origin: germline.
Comment: In summary, the available evidence is currently insufficient to determine the role of this variant in disease. Therefore, it has been classified as a Variant of Uncertain Significance. This sequence change falls in intron 5 of the TMEM43 gene. It does not directly change the encoded amino acid sequence of the TMEM43 protein. This variant is not present in population databases (gnomAD no frequency). This variant has not been reported in the literature in individuals affected with TMEM43-related conditions. Algorithms developed to predict the effect of sequence changes on RNA splicing suggest that this variant may create or strengthen a splice site.

NM_024334.3(TMEM43):c.443-13T>G

Gene: TMEM43 (transmembrane protein 43; plus strand). Cytogenetic location: 3p25.1.
Variant type: single nucleotide variant.
Coding change: c.443-13T>G on transcript NM_024334.3 (MANE Select); 13 bases into the intron before coding-DNA position 443, T replaced by G.
Molecular consequence: intron variant.
Genome position (GRCh38, 1-based): chr3:14,132,853, T>G. VCF-style: chr3-14132853-T-G. GRCh37 (hg19) VCF-style: chr3-14174353-T-G.
Identifiers: ClinVar variation 2002547 (VCV002002547.4), dbSNP rs2470184358, ClinGen allele CA2580068570.